The following is an entry in ClinVar:

NM_001605.3(AARS1):c.2178-9G>C

Gene: AARS1 (alanyl-tRNA synthetase 1; minus strand). Cytogenetic location: 16q22.1.
Variant type: single nucleotide variant.
Coding change: c.2178-9G>C on transcript NM_001605.3 (MANE Select); 9 bases into the intron before coding-DNA position 2178, G replaced by C.
Molecular consequence: intron variant.
Genome position (GRCh38, 1-based): chr16:70,255,845, C>G on the plus strand (G>C on the coding strand, the complement: AARS1 is on the minus strand). VCF-style: chr16-70255845-C-G. GRCh37 (hg19) VCF-style: chr16-70289748-C-G.
Identifiers: ClinVar variation 2149919 (VCV002149919.6), dbSNP rs1044805095, ClinGen allele CA283427889.

ClinVar aggregate classification (germline): Likely benign. Review status: criteria provided, multiple submitters, no conflicts (2 of 4 stars). 3 submissions from 3 submitters: Likely benign (3). Last evaluated 2024-08-17.

Conditions:
Charcot-Marie-Tooth disease type 2. Also called: Charcot-Marie-Tooth type 2. Identifiers: Orphanet 64746, MedGen C0270914, MONDO:0018993.

Allele frequency attached by ClinVar (database versions not stated): gnomAD 0.00001; gnomAD exomes 0.00001; TOPMed 0.00001.
gnomAD v4.1: 5 of 1,610,608 alleles (0.00031%); highest among the groups gnomAD compares: Non-Finnish European, 0.00042%; no homozygotes.

Submissions (3):

Labcorp Genetics (formerly Invitae), Labcorp
Classification: Likely benign for Charcot-Marie-Tooth disease type 2. Last evaluated: 2024-08-17. Review status: criteria provided, single submitter. Criteria: Invitae Variant Classification Sherloc (09022015). Collection method: clinical testing. Allele origin: germline.

Women's Health and Genetics/Laboratory Corporation of America, LabCorp
Classification: Likely benign. Last evaluated: 2024-07-12. Review status: criteria provided, single submitter. Criteria: LabCorp Variant Classification Summary - May 2015. Collection method: clinical testing. Allele origin: germline.
Comment: Variant summary: AARS1 c.2178-9G>C alters a non-conserved nucleotide located at a position not widely known to affect splicing. Consensus agreement among computation tools predict no significant impact on normal splicing. However, these predictions have yet to be confirmed by functional studies. The variant was absent in 244214 control chromosomes. The available data on variant occurrences in the general population are insufficient to allow any conclusion about variant significance. To our knowledge, no occurrence of c.2178-9G>C in individuals affected with Developmental And Epileptic Encephalopathy, 29 and no experimental evidence demonstrating its impact on protein function have been reported. ClinVar contains an entry for this variant (Variation ID: 2149919). Based on the evidence outlined above, the variant was classified as likely benign.

Blueprint Genetics
Classification: Likely benign. Last evaluated: 2023-01-11. Review status: criteria provided, single submitter. Criteria: ACMG Guidelines, 2015. Collection method: clinical testing. Allele origin: germline.